The following is an entry in ClinVar:

NM_000551.4(VHL):c.340+753G>C

Genes: VHL (von Hippel-Lindau tumor suppressor; plus strand), LOC107303340 (3p25 von Hippel-Lindau tumor suppressor, E3 ubiquitin protein ligase Alu-mediated recombination region; plus strand). Cytogenetic location: 3p25.3.
Variant type: single nucleotide variant.
Coding change: c.340+753G>C on transcript NM_000551.4 (MANE Select); 753 bases into the intron after coding-DNA position 340, G replaced by C.
Molecular consequence: intron variant. On other transcripts: missense variant (1).
Genome position (GRCh38, 1-based): chr3:10,142,940, G>C. VCF-style: chr3-10142940-G-C. GRCh37 (hg19) VCF-style: chr3-10184624-G-C.
Other names: c.518G>C, p.Gly173Ala (NM_001354723.2); c.340+753G>C (NM_198156.3); short protein forms G173A.
Identifiers: ClinVar variation 1053429 (VCV001053429.9), dbSNP rs2125126065, ClinGen allele CA2499216369.

ClinVar aggregate classification (germline): Uncertain significance (1 of 4 stars; one submission).

Conditions:
Chuvash polycythemia. Also called: POLYCYTHEMIA, VHL-DEPENDENT. Identifiers: Orphanet 238557, MedGen C1837915, MONDO:0009892, OMIM 263400.
Von Hippel-Lindau syndrome (VHLS). Also called: Von Hippel-Lindau; von Hippel–Lindau syndrome; VHL syndrome. Identifiers: Orphanet 892, MedGen C0019562, MONDO:0008667, OMIM 193300. Disease mechanism: loss of function.

Submission:

Labcorp Genetics (formerly Invitae), Labcorp
Classification: Uncertain significance for Von Hippel-Lindau syndrome; Chuvash polycythemia. Last evaluated: 2022-09-19. Review status: criteria provided, single submitter. Criteria: Invitae Variant Classification Sherloc (09022015). Collection method: clinical testing. Allele origin: germline.
Comment: In summary, the available evidence is currently insufficient to determine the role of this variant in disease. Therefore, it has been classified as a Variant of Uncertain Significance. This variant is not present in population databases (gnomAD no frequency). This variant has not been reported in the literature in individuals affected with VHL-related conditions. ClinVar contains an entry for this variant (Variation ID: 1053429). Experimental studies and prediction algorithms are not available or were not evaluated, and the functional significance of this variant is currently unknown. Algorithms developed to predict the effect of sequence changes on RNA splicing suggest that this variant is not likely to affect RNA splicing. This sequence change falls in intron 1 of the VHL gene. It is not expected to change the encoded amino acid sequence of the VHL protein. However, this sequence change falls within a cryptic exon in the VHL gene, known as exon E1’, which is naturally expressed at low levels in several human tissues (PMID: 29891534).

Literature cited by the submitters: PubMed 29891534.